The following is an entry in ClinVar:

ClinVar aggregate classification (germline): Pathogenic (1 of 4 stars; one submission).

Allele frequency attached by ClinVar (database versions not stated): gnomAD exomes below 0.00001.
gnomAD v4.1: 3 of 1,613,910 alleles (0.00019%); highest among the groups gnomAD compares: Admixed American, 0.0017%; no homozygotes.

Submission:

Labcorp Genetics (formerly Invitae), Labcorp
Classification: Pathogenic. Last evaluated: 2024-03-19. Review status: criteria provided, single submitter. Criteria: Invitae Variant Classification Sherloc (09022015). Collection method: clinical testing. Allele origin: germline.
Comment: This sequence change creates a premature translational stop signal (p.Arg60*) in the PTPN23 gene. It is expected to result in an absent or disrupted protein product. Loss-of-function variants in PTPN23 are known to be pathogenic (PMID: 29090338, 29899372). This variant is not present in population databases (gnomAD no frequency). This variant has not been reported in the literature in individuals affected with PTPN23-related conditions. Algorithms developed to predict the effect of sequence changes on RNA splicing suggest that this variant may disrupt the consensus splice site. For these reasons, this variant has been classified as Pathogenic.

Literature cited by the submitters: PubMed 29090338; PubMed 29899372.

NM_015466.4(PTPN23):c.178C>T (p.Arg60Ter)

Gene: PTPN23 (protein tyrosine phosphatase non-receptor type 23; plus strand). Cytogenetic location: 3p21.31.
Variant type: single nucleotide variant.
Coding change: c.178C>T on transcript NM_015466.4 (MANE Select); coding-DNA position 178, C replaced by T.
Protein change: p.Arg60Ter; replaces arginine 60 with a stop codon.
Molecular consequence: nonsense. On other transcripts: intron variant (1).
Genome position (GRCh38, 1-based): chr3:47,404,670, C>T. VCF-style: chr3-47404670-C-T. GRCh37 (hg19) VCF-style: chr3-47446160-C-T.
Other names: c.-91-335C>T (NM_001304482.2); short protein forms R60*.
Identifiers: ClinVar variation 2821804 (VCV002821804.3), dbSNP rs2546236188, ClinGen allele CA352540005.